The following is an entry in ClinVar:

NM_000834.5(GRIN2B):c.418T>A (p.Ser140Thr)

Gene: GRIN2B (glutamate ionotropic receptor NMDA type subunit 2B; minus strand). Cytogenetic location: 12p13.1.
Variant type: single nucleotide variant.
Coding change: c.418T>A on transcript NM_000834.5 (MANE Select); coding-DNA position 418, T replaced by A.
Protein change: p.Ser140Thr; replaces serine 140 with threonine.
Molecular consequence: missense variant.
Genome position (GRCh38, 1-based): chr12:13,753,909, A>T on the plus strand (T>A on the coding strand, the complement: GRIN2B is on the minus strand). VCF-style: chr12-13753909-A-T. GRCh37 (hg19) VCF-style: chr12-13906843-A-T.
Other names: c.418T>A, p.Ser140Thr (NM_001413992.1, NM_001413993.1, NM_001413994.1 and 1 more transcripts); short protein forms S140T.
Identifiers: ClinVar variation 2929627 (VCV002929627.8), dbSNP rs1472174852, ClinGen allele CA384054934.

ClinVar aggregate classification (germline): Uncertain significance. Review status: criteria provided, multiple submitters, no conflicts (2 of 4 stars). 2 submissions from 2 submitters: Uncertain significance (2). Last evaluated 2025-12-01.

Conditions:
Intellectual developmental disorder, autosomal dominant 6, with or without seizures. Also called: GRIN2B-related developmental delay, intellectual disability and autism spectrum disorder; Intellectual disability, autosomal dominant 6. Identifiers: Orphanet 589547, MedGen C3151411, MONDO:0013509, OMIM 613970.
Developmental and epileptic encephalopathy, 27 (DEE27). Also called: Epileptic encephalopathy, early infantile, 27; GRIN2B-Related Neurodevelopmental Disorder. Identifiers: Orphanet 3451, MedGen C4015316, MONDO:0014505, OMIM 616139.

Allele frequency attached by ClinVar (database versions not stated): TOPMed below 0.00001; gnomAD exomes 0.00001.
gnomAD v4.1: 14 of 1,598,174 alleles (0.00088%); highest among the groups gnomAD compares: Non-Finnish European, 0.0011%; no homozygotes.

Submissions (2):

CeGaT Center for Human Genetics Tuebingen
Classification: Uncertain significance. Last evaluated: 2025-12-01. Review status: criteria provided, single submitter. Criteria: CeGaT Center For Human Genetics Tuebingen Variant Classification Criteria Version 2. Collection method: clinical testing. Allele origin: germline. Affected: yes. Observed: 1 variant allele.

Labcorp Genetics (formerly Invitae), Labcorp
Classification: Uncertain significance for Developmental and epileptic encephalopathy, 27; Intellectual developmental disorder, autosomal dominant 6, with or without seizures. Last evaluated: 2023-04-26. Review status: criteria provided, single submitter. Criteria: Invitae Variant Classification Sherloc (09022015). Collection method: clinical testing. Allele origin: germline.
Comment: This sequence change replaces serine, which is neutral and polar, with threonine, which is neutral and polar, at codon 140 of the GRIN2B protein (p.Ser140Thr). This variant is present in population databases (no rsID available, gnomAD 0.0009%). This variant has not been reported in the literature in individuals affected with GRIN2B-related conditions. Advanced modeling of protein sequence and biophysical properties (such as structural, functional, and spatial information, amino acid conservation, physicochemical variation, residue mobility, and thermodynamic stability) performed at Invitae indicates that this missense variant is not expected to disrupt GRIN2B protein function. In summary, the available evidence is currently insufficient to determine the role of this variant in disease. Therefore, it has been classified as a Variant of Uncertain Significance.